The following is an entry in ClinVar:

NM_000059.4(BRCA2):c.2489_2490insT (p.Val831fs)

Gene: BRCA2 (BRCA2 DNA repair associated; plus strand). Cytogenetic location: 13q13.1.
Variant type: Insertion.
Coding change: c.2489_2490insT on transcript NM_000059.4 (MANE Select); coding-DNA positions 2489 to 2490, T inserted.
Protein change: p.Val831fs; shifts the reading frame from valine 831.
Molecular consequence: frameshift variant.
Genome position: GRCh38 VCF-style: chr13-32336844-A-AT. GRCh37 (hg19) VCF-style: chr13-32910981-A-AT.
Other names: short protein forms V831fs.
Identifiers: ClinVar variation 548350 (VCV000548350.1), dbSNP rs1555282700, ClinGen allele CA658823624.

ClinVar aggregate classification (germline): Pathogenic (3 of 4 stars; one submission).

Conditions:
Breast-ovarian cancer, familial, susceptibility to, 2 (BROVCA2). Also called: BRCA2 Hereditary Breast and Ovarian Cancer. Identifiers: Orphanet 145, MedGen C2675520, MONDO:0012933, OMIM 612555. Disease mechanism: loss of function.

Submission:

Evidence-based Network for the Interpretation of Germline Mutant Alleles (ENIGMA)
Classification: Pathogenic for Breast-ovarian cancer, familial, susceptibility to, 2. Last evaluated: 2017-12-15. Review status: reviewed by expert panel. Criteria: ENIGMA BRCA1/2 Classification Criteria (2017-06-29). Collection method: curation. Allele origin: germline. Study: ENIGMA.
Comment: Variant allele predicted to encode a truncated non-functional protein.